The following is an entry in ClinVar:

ClinVar aggregate classification (germline): Pathogenic (1 of 4 stars; one submission).

Conditions:
Ehlers-Danlos syndrome, dermatosparaxis type. Also called: EDS VIIC; Dermatosparaxis; Ehlers-Danlos syndrome, type VII, autosomal recessive. Identifiers: Orphanet 1901, MedGen C2700425, MONDO:0009161, OMIM 225410.

Submission:

Myriad Genetics, Inc.
Classification: Pathogenic for Ehlers-Danlos syndrome, dermatosparaxis type. Last evaluated: 2024-05-14. Review status: criteria provided, single submitter. Criteria: Myriad Autosomal Dominant, Autosomal Recessive and X-Linked Classification Criteria (2023). Collection method: clinical testing. Allele origin: unknown.
Comment: NM_014244.4(ADAMTS2):c.98_99ins8(P34Yfs*134) is expected to be pathogenic in the context of Ehlers-Danlos syndrome, ADAMTS2-related. This variant is predicted to lead to an abnormal or absent protein product due to the creation of a premature termination codon in ADAMTS2, a gene where loss-of-function variants are known to be pathogenic. Please note: this variant was assessed in the context of healthy population screening.

NM_014244.5(ADAMTS2):c.98_99insTTATACAA (p.Pro34fs)

Gene: ADAMTS2 (ADAM metallopeptidase with thrombospondin type 1 motif 2; minus strand). Cytogenetic location: 5q35.3.
Variant type: Insertion.
Coding change: c.98_99insTTATACAA on transcript NM_014244.5 (MANE Select); coding-DNA positions 98 to 99, TTATACAA inserted.
Protein change: p.Pro34fs; shifts the reading frame from proline 34.
Molecular consequence: frameshift variant.
Genome position: GRCh38 VCF-style: chr5-179345230-C-CTTGTATAA. GRCh37 (hg19) VCF-style: chr5-178772231-C-CTTGTATAA.
Other names: c.98_99insTTATACAA, p.Pro34fs (NM_021599.4); short protein forms P34fs.
Identifiers: ClinVar variation 5015115 (VCV005015115.1).